The following is an entry in ClinVar:

NM_000718.4(CACNA1B):c.2035G>A (p.Val679Ile)

Gene: CACNA1B (calcium voltage-gated channel subunit alpha1 B; plus strand). Cytogenetic location: 9q34.3.
Variant type: single nucleotide variant.
Coding change: c.2035G>A on transcript NM_000718.4 (MANE Select); coding-DNA position 2035, G replaced by A.
Protein change: p.Val679Ile; replaces valine 679 with isoleucine.
Molecular consequence: missense variant.
Genome position (GRCh38, 1-based): chr9:138,006,827, G>A. VCF-style: chr9-138006827-G-A. GRCh37 (hg19) VCF-style: chr9-140901279-G-A.
Other names: c.2035G>A, p.Val679Ile (NM_001243812.2); c.2035G>A (NM_000718.3); short protein forms V679I.
Identifiers: ClinVar variation 2387587 (VCV002387587.5), dbSNP rs770172440, ClinGen allele CA5376356.

ClinVar aggregate classification (germline): Uncertain significance. Review status: criteria provided, multiple submitters, no conflicts (2 of 4 stars). 2 submissions from 2 submitters: Uncertain significance (2). Last evaluated 2022-06-03.

Allele frequency attached by ClinVar (database versions not stated): gnomAD 0.00001; gnomAD exomes 0.00001; TOPMed 0.00001; ExAC 0.00002.
gnomAD v4.1: 9 of 1,611,422 alleles (0.00056%); highest among the groups gnomAD compares: African/African-American, 0.0013%; no homozygotes.

Submissions (2):

Labcorp Genetics (formerly Invitae), Labcorp
Classification: Uncertain significance. Last evaluated: 2022-06-03. Review status: criteria provided, single submitter. Criteria: Invitae Variant Classification Sherloc (09022015). Collection method: clinical testing. Allele origin: germline.
Comment: This sequence change replaces valine, which is neutral and non-polar, with isoleucine, which is neutral and non-polar, at codon 679 of the CACNA1B protein (p.Val679Ile). This variant is present in population databases (rs770172440, gnomAD 0.004%). This variant has not been reported in the literature in individuals affected with CACNA1B-related conditions. Advanced modeling of protein sequence and biophysical properties (such as structural, functional, and spatial information, amino acid conservation, physicochemical variation, residue mobility, and thermodynamic stability) performed at Invitae indicates that this missense variant is expected to disrupt CACNA1B protein function. In summary, the available evidence is currently insufficient to determine the role of this variant in disease. Therefore, it has been classified as a Variant of Uncertain Significance.

Ambry Genetics
Classification: Uncertain significance. Last evaluated: 2022-05-25. Review status: criteria provided, single submitter. Criteria: Ambry Variant Classification Scheme 2023. Collection method: clinical testing. Allele origin: germline.